The following is an entry in ClinVar:

ClinVar aggregate classification (germline): Uncertain significance (1 of 4 stars; one submission).

Conditions:
Ataxia-telangiectasia syndrome (AT). Also called: Ataxia-telangiectasia, complementation group D; AT, COMPLEMENTATION GROUP C; ATAXIA-TELANGIECTASIA, COMPLEMENTATION GROUP A; ATAXIA-TELANGIECTASIA, FRESNO VARIANT; Ataxia-telangiectasia; Ataxia-telangiectasia, complementation group E. Identifiers: Orphanet 100, MedGen C0004135, MONDO:0008840, OMIM 208900.

Submission:

Labcorp Genetics (formerly Invitae), Labcorp
Classification: Uncertain significance for Ataxia-telangiectasia syndrome. Last evaluated: 2025-01-16. Review status: criteria provided, single submitter. Criteria: Invitae Variant Classification Sherloc (09022015). Collection method: clinical testing. Allele origin: germline.
Comment: This sequence change replaces serine, which is neutral and polar, with phenylalanine, which is neutral and non-polar, at codon 2134 of the ATM protein (p.Ser2134Phe). This variant is not present in population databases (gnomAD no frequency). This variant has not been reported in the literature in individuals affected with ATM-related conditions. Invitae Evidence Modeling of protein sequence and biophysical properties (such as structural, functional, and spatial information, amino acid conservation, physicochemical variation, residue mobility, and thermodynamic stability) indicates that this missense variant is not expected to disrupt ATM protein function with a negative predictive value of 95%. In summary, the available evidence is currently insufficient to determine the role of this variant in disease. Therefore, it has been classified as a Variant of Uncertain Significance.

NM_000051.4(ATM):c.6401C>T (p.Ser2134Phe)

Genes: ATM (ATM serine/threonine kinase; plus strand), C11orf65 (chromosome 11 open reading frame 65; minus strand). Cytogenetic location: 11q22.3.
Variant type: single nucleotide variant.
Coding change: c.6401C>T on transcript NM_000051.4 (MANE Select); coding-DNA position 6401, C replaced by T.
Protein change: p.Ser2134Phe; replaces serine 2134 with phenylalanine.
Molecular consequence: missense variant. On other transcripts: intron variant (2).
Genome position (GRCh38, 1-based): chr11:108,320,007, C>T. VCF-style: chr11-108320007-C-T. GRCh37 (hg19) VCF-style: chr11-108190734-C-T.
Other names: c.6401C>T, p.Ser2134Phe (NM_001351834.2); c.641-10936G>A (NM_001330368.2); c.*39-10936G>A (NM_001351110.2); short protein forms S2134F.
Identifiers: ClinVar variation 3720468 (VCV003720468.2).
Genomic context (GRCh38, chr11:108,320,007, plus strand): 5'-CTCACAGCAAAGAAGTAGAAGGAACCAGTTACCATGAATCATTGTACAATGCTCTACAAT[C>T]TCTAAGAGACAGAGAATTCTCTACATTTTATGAAAGTCTCAAATATGCCAGGTATTATGA-3'
Protein context (NP_000042.3, residues 2124-2144): YHESLYNALQ[Ser2134Phe]LRDREFSTFY